The following is an entry in ClinVar:

ClinVar aggregate classification (germline): Uncertain significance. Review status: criteria provided, multiple submitters, no conflicts (2 of 4 stars). 8 submissions from 7 submitters: Uncertain significance (7). 1 of the submissions does not count toward it. Last evaluated 2025-04-03.

Conditions:
Inborn genetic diseases. Identifiers: MedGen C0950123, MeSH D030342.
Usher syndrome type 2A. Also called: RETINAL DISEASE IN USHER SYNDROME TYPE IIA, MODIFIER OF; USHER SYNDROME, TYPE IIA. Identifiers: Orphanet 231178, Orphanet 886, MedGen C1848634, MONDO:0010169, OMIM 276901.
Retinitis pigmentosa 39 (RP39). Identifiers: Orphanet 791, MedGen C3151138, MONDO:0013436, OMIM 613809.

Allele frequency attached by ClinVar (database versions not stated): ExAC 0.00004; gnomAD exomes 0.00004; ESP Exome Variant Server 0.00008; TOPMed 0.00012; gnomAD 0.00015 and 0.00016; 1000 Genomes Project 0.00020; 1000 Genomes Project 30x 0.00031.
gnomAD v4.1: 65 of 1,613,772 alleles (0.004%); highest among the groups gnomAD compares: African/African-American, 0.068%; no homozygotes.

Submissions (8):

Ambry Genetics
Classification: Uncertain significance for Inborn genetic diseases. Last evaluated: 2025-04-03. Review status: criteria provided, single submitter. Criteria: Ambry Variant Classification Scheme 2023. Collection method: clinical testing. Allele origin: germline.

Labcorp Genetics (formerly Invitae), Labcorp
Classification: Uncertain significance. Last evaluated: 2024-07-19. Review status: criteria provided, single submitter. Criteria: Invitae Variant Classification Sherloc (09022015). Collection method: clinical testing. Allele origin: germline.
Comment: This sequence change replaces proline, which is neutral and non-polar, with alanine, which is neutral and non-polar, at codon 3202 of the USH2A protein (p.Pro3202Ala). This variant is present in population databases (rs113786363, gnomAD 0.03%). This variant has not been reported in the literature in individuals affected with USH2A-related conditions. ClinVar contains an entry for this variant (Variation ID: 286511). Advanced modeling of protein sequence and biophysical properties (such as structural, functional, and spatial information, amino acid conservation, physicochemical variation, residue mobility, and thermodynamic stability) performed at Invitae indicates that this missense variant is not expected to disrupt USH2A protein function with a negative predictive value of 95%. In summary, the available evidence is currently insufficient to determine the role of this variant in disease. Therefore, it has been classified as a Variant of Uncertain Significance.

Genome-Nilou Lab
Classification: Uncertain significance for Retinitis pigmentosa 39. Last evaluated: 2023-11-04. Review status: criteria provided, single submitter. Criteria: ACMG Guidelines, 2015. Collection method: clinical testing. Allele origin: germline. Affected: no.

Genome-Nilou Lab
Classification: Uncertain significance for Usher syndrome type 2A. Last evaluated: 2023-11-04. Review status: criteria provided, single submitter. Criteria: ACMG Guidelines, 2015. Collection method: clinical testing. Allele origin: germline. Affected: no.

Blueprint Genetics
Classification: Uncertain significance. Last evaluated: 2021-12-21. Review status: criteria provided, single submitter. Criteria: ACMG Guidelines, 2015. Collection method: clinical testing. Allele origin: germline.

GeneDx
Classification: Uncertain significance. Last evaluated: 2021-08-16. Review status: criteria provided, single submitter. Criteria: GeneDx Variant Classification Process June 2021. Collection method: clinical testing. Allele origin: germline. Affected: yes.
Comment: In silico analysis supports that this missense variant has a deleterious effect on protein structure/function; Has not been previously published as pathogenic or benign to our knowledge

Eurofins Ntd Llc (ga)
Classification: Uncertain significance. Last evaluated: 2016-03-18. Review status: criteria provided, single submitter. Criteria: EGL Classification Definitions 2015. Collection method: clinical testing. Allele origin: germline. Observed: 1 variant allele, 1 heterozygote.

Natera, Inc.
Classification: Uncertain significance for Usher syndrome type 2A. Last evaluated: 2019-11-11. Review status: no assertion criteria provided. Collection method: clinical testing. Allele origin: germline. Not counted in ClinVar's aggregate classification.

NM_206933.4(USH2A):c.9604C>G (p.Pro3202Ala)

Gene: USH2A (usherin; minus strand). Cytogenetic location: 1q41.
Variant type: single nucleotide variant.
Coding change: c.9604C>G on transcript NM_206933.4 (MANE Select); coding-DNA position 9604, C replaced by G.
Protein change: p.Pro3202Ala; replaces proline 3202 with alanine.
Molecular consequence: missense variant.
Genome position (GRCh38, 1-based): chr1:215,813,871, G>C on the plus strand (C>G on the coding strand, the complement: USH2A is on the minus strand). VCF-style: chr1-215813871-G-C. GRCh37 (hg19) VCF-style: chr1-215987213-G-C.
Other names: short protein forms P3202A.
Identifiers: ClinVar variation 286511 (VCV000286511.13), dbSNP rs113786363, ClinGen allele CA1394256.
Genomic context (GRCh38, chr1:215,813,871, plus strand): 5'-AAACTCCAGTAGAATTCAGAACAAACGGGATATACTTTTCTTCACAACAGCGATGTCCAG[G>C]CTTGGGGTTATAGAGCACTCCGTTACAACAAACCTGAAAGTTTGAAAACAGTTTTAAAGA-3'
Protein context (NP_996816.3, residues 3192-3212): CCNGVLYNPK[Pro3202Ala]GHRCCEEKYI